The following is an entry in ClinVar:

ClinVar aggregate classification (germline): Pathogenic (1 of 4 stars; one submission).

Conditions:
Nemaline myopathy 2 (NEM2). Also called: Nemaline myopathy 2, autosomal recessive. Identifiers: MedGen C1850569, MONDO:0009725, OMIM 256030.

Submission:

Labcorp Genetics (formerly Invitae), Labcorp
Classification: Pathogenic for Nemaline myopathy 2. Last evaluated: 2021-05-24. Review status: criteria provided, single submitter. Criteria: Invitae Variant Classification Sherloc (09022015). Collection method: clinical testing. Allele origin: germline.
Comment: For these reasons, this variant has been classified as Pathogenic. This variant has not been reported in the literature in individuals with NEB-related conditions. This variant is not present in population databases (ExAC no frequency). This sequence change creates a premature translational stop signal (p.Leu206Argfs*22) in the NEB gene. It is expected to result in an absent or disrupted protein product. Loss-of-function variants in NEB are known to be pathogenic (PMID: 25205138).

Literature cited by the submitters: PubMed 25205138.

NM_001164508.2(NEB):c.617del (p.Leu206fs)

Gene: NEB (nebulin; minus strand). Cytogenetic location: 2q23.3.
Variant type: Deletion.
Coding change: c.617del on transcript NM_001164508.2 (MANE Select); coding-DNA position 617, one base deleted (T; older notation c.617delT).
Protein change: p.Leu206fs; shifts the reading frame from leucine 206.
Molecular consequence: frameshift variant.
Genome position (GRCh38, 1-based): chr2:151,723,482, A deleted on the plus strand (T on the coding strand, the reverse complement: NEB is on the minus strand). VCF-style (leftmost placement, unchanged base first): chr2-151723481-CA-C. GRCh37 (hg19) VCF-style: chr2-152579995-CA-C.
Other names: c.617del, p.Leu206fs (NM_001164507.2, NM_001271208.2, NM_004543.5); short protein forms L206fs.
Identifiers: ClinVar variation 1370565 (VCV001370565.6), dbSNP rs2150664716, ClinGen allele CA2573133626.